The following is an entry in ClinVar:

NM_001267550.2(TTN):c.3988C>T (p.Arg1330Cys)

Genes: TTN (titin; minus strand), LOC101927055 (uncharacterized LOC101927055; plus strand). Cytogenetic location: 2q31.2.
Variant type: single nucleotide variant.
Coding change: c.3988C>T on transcript NM_001267550.2 (MANE Select); coding-DNA position 3988, C replaced by T.
Protein change: p.Arg1330Cys; replaces arginine 1330 with cysteine.
Molecular consequence: missense variant.
Genome position (GRCh38, 1-based): chr2:178,779,094, G>A on the plus strand (C>T on the coding strand, the complement: TTN is on the minus strand). VCF-style: chr2-178779094-G-A. GRCh37 (hg19) VCF-style: chr2-179643821-G-A.
Other names: c.3988C>T, p.Arg1330Cys (NM_001256850.1, NM_133378.4, NM_133379.5); c.3850C>T, p.Arg1284Cys (NM_003319.4, NM_133432.3, NM_133437.4); short protein forms R1330C, R1284C.
Identifiers: ClinVar variation 195838 (VCV000195838.21), dbSNP rs771294359, ClinGen allele CA242477.

ClinVar aggregate classification (germline): Conflicting classifications of pathogenicity. Review status: criteria provided, conflicting classifications (1 of 4 stars). 9 submissions from 9 submitters: Uncertain significance (4); Likely benign (2). 3 of the submissions do not count toward it. Last evaluated 2026-05-26.

Conditions:
TTN-related disorder. Also called: TTN-related condition; TTN-related disease; TTN-related disorders.
Catecholaminergic polymorphic ventricular tachycardia (CVPT). Also called: Catecholamine-induced polymorphic ventricular tachycardia. Identifiers: Orphanet 3286, MedGen C5574922, MONDO:0017990.
Tibial muscular dystrophy (TMD). Also called: Tibial muscular dystrophy, tardive; Udd Distal Myopathy – Tibial Muscular Dystrophy; UDD MYOPATHY. Identifiers: Orphanet 609, MedGen C1838244, MONDO:0010870, OMIM 600334.

Allele frequency attached by ClinVar (database versions not stated): gnomAD 0.00002; gnomAD exomes 0.00004 and 0.00013; TOPMed 0.00006; ExAC 0.00010.

Submissions (9):

Women's Health and Genetics/Laboratory Corporation of America, LabCorp
Classification: Likely benign. Last evaluated: 2026-05-26. Review status: criteria provided, single submitter. Criteria: LabCorp Variant Classification Summary - May 2015. Collection method: clinical testing. Allele origin: germline.
Comment: Variant summary: TTN c.3988C>T (p.Arg1330Cys) results in a non-conservative amino acid change in the encoded protein sequence. Algorithms developed to predict the effect of missense changes on protein structure and function are either unavailable or do not agree on the potential impact of this missense change. The variant allele was found at a frequency of 0.00013 in 249926 control chromosomes, predominantly at a frequency of 0.00058 within the Latino subpopulation in the gnomAD database. The observed variant frequency within Latino control individuals in the gnomAD database exceeds the estimated maximal expected allele frequency for disease-causing variants in TTN, providing supporting evidence for a benign role. To our knowledge, no occurrence of c.3988C>T in individuals affected with TTN-related conditions and no experimental evidence demonstrating its impact on protein function have been reported. ClinVar contains an entry for this variant (Variation ID: 195838). Based on the evidence outlined above, the variant was classified as likely benign.

PreventionGenetics, part of Exact Sciences
Classification: Uncertain significance for TTN-related condition. Last evaluated: 2026-04-27. Review status: criteria provided, single submitter. Criteria: ACMG Guidelines, 2015. Collection method: clinical testing. Allele origin: germline.
Comment: The TTN c.3988C>T variant is predicted to result in the amino acid substitution p.Arg1330Cys. To our knowledge, this variant has not been reported in the literature. This variant is reported in 0.058% of alleles in individuals of Latino descent in gnomAD. Although we suspect that this variant may be benign, at this time, the clinical significance of this variant is uncertain due to the absence of conclusive functional and genetic evidence.

Revvity Omics, Revvity
Classification: Uncertain significance. Last evaluated: 2021-07-07. Review status: criteria provided, single submitter. Criteria: ACMG Guidelines, 2015. Collection method: clinical testing. Allele origin: germline.

Mayo Clinic Laboratories, Mayo Clinic
Classification: Uncertain significance. Last evaluated: 2020-07-23. Review status: criteria provided, single submitter. Criteria: ACMG Guidelines, 2015. Collection method: clinical testing. Allele origin: germline. Observed: 1 variant allele.

Centre for Mendelian Genomics, University Medical Centre Ljubljana
Classification: Likely benign for Tibial muscular dystrophy. Last evaluated: 2019-07-09. Review status: criteria provided, single submitter. Criteria: ACMG Guidelines, 2015. Collection method: clinical testing. Allele origin: unknown. Affected: yes.
Comment: This variant was classified as: Likely benign. The following ACMG criteria were applied in classifying this variant: PP3,BP1,BS2.

Eurofins Ntd Llc (ga)
Classification: Uncertain significance. Last evaluated: 2015-05-06. Review status: criteria provided, single submitter. Criteria: EGL Classification Definitions 2015. Collection method: clinical testing. Allele origin: germline. Observed: 1 variant allele, 1 heterozygote.

Clinical Genetics, Academic Medical Center
Classification: Uncertain significance. Review status: no assertion criteria provided. Collection method: clinical testing. Allele origin: germline. Affected: yes. Study: VKGL Data-share Consensus. Not counted in ClinVar's aggregate classification.

Diagnostic Laboratory, Department of Genetics, University Medical Center Groningen
Classification: Uncertain significance. Review status: no assertion criteria provided. Collection method: clinical testing. Allele origin: germline. Affected: yes. Study: VKGL Data-share Consensus. Not counted in ClinVar's aggregate classification.

Genetics and Genomics Program, Sidra Medicine
Classification: Uncertain significance for Catecholaminergic polymorphic ventricular tachycardia. Review status: no assertion criteria provided. Collection method: research. Allele origin: unknown. Affected: yes. Not counted in ClinVar's aggregate classification.
Comment: The c.3988C>T missense variant in TTN is present in gnomAD with an allele count of 33 and no homozygous individuals reported (PM2). ACMG codes: PM2, PP2, BP1.